The following is an entry in ClinVar:

ClinVar aggregate classification (germline): Uncertain significance (1 of 4 stars; one submission).

Submission:

Labcorp Genetics (formerly Invitae), Labcorp
Classification: Uncertain significance. Last evaluated: 2025-01-06. Review status: criteria provided, single submitter. Criteria: Invitae Variant Classification Sherloc (09022015). Collection method: clinical testing. Allele origin: germline.
Comment: This sequence change replaces asparagine, which is neutral and polar, with serine, which is neutral and polar, at codon 57 of the PRUNE1 protein (p.Asn57Ser). This variant is not present in population databases (gnomAD no frequency). This variant has not been reported in the literature in individuals affected with PRUNE1-related conditions. ClinVar contains an entry for this variant (Variation ID: 2107817). Invitae Evidence Modeling of protein sequence and biophysical properties (such as structural, functional, and spatial information, amino acid conservation, physicochemical variation, residue mobility, and thermodynamic stability) indicates that this missense variant is not expected to disrupt PRUNE1 protein function with a negative predictive value of 80%. In summary, the available evidence is currently insufficient to determine the role of this variant in disease. Therefore, it has been classified as a Variant of Uncertain Significance.

NM_021222.3(PRUNE1):c.170A>G (p.Asn57Ser)

Gene: PRUNE1 (prune exopolyphosphatase 1; plus strand). Cytogenetic location: 1q21.3.
Variant type: single nucleotide variant.
Coding change: c.170A>G on transcript NM_021222.3 (MANE Select); coding-DNA position 170, A replaced by G.
Protein change: p.Asn57Ser; replaces asparagine 57 with serine.
Molecular consequence: missense variant. On other transcripts: 5 prime UTR variant (1), intron variant (1).
Genome position (GRCh38, 1-based): chr1:151,018,504, A>G. VCF-style: chr1-151018504-A-G. GRCh37 (hg19) VCF-style: chr1-150990980-A-G.
Other names: c.170A>G, p.Asn57Ser (NM_001303242.2); c.-90A>G (NM_001303243.2); c.-212+600A>G (NM_001303229.2); short protein forms N57S.
Identifiers: ClinVar variation 2107817 (VCV002107817.4), dbSNP rs2528344083, ClinGen allele CA341903273.